The following is an entry in ClinVar:

NM_014270.5(SLC7A9):c.1365C>T (p.Val455=)

Gene: SLC7A9 (solute carrier family 7 member 9; minus strand). Cytogenetic location: 19q13.11.
Variant type: single nucleotide variant.
Coding change: c.1365C>T on transcript NM_014270.5 (MANE Select); coding-DNA position 1365, C replaced by T.
Protein change: p.Val455=; no amino-acid change (valine 455 retained).
Molecular consequence: synonymous variant.
Genome position (GRCh38, 1-based): chr19:32,833,183, G>A on the plus strand (C>T on the coding strand, the complement: SLC7A9 is on the minus strand). VCF-style: chr19-32833183-G-A. GRCh37 (hg19) VCF-style: chr19-33324089-G-A.
Other names: p.Val455=; c.1365C>T, p.Val455= (NM_001126335.2, NM_001243036.2).
Identifiers: ClinVar variation 889689 (VCV000889689.14), dbSNP rs34347941, ClinGen allele CA9358430.

ClinVar aggregate classification (germline): Benign/Likely benign. Review status: criteria provided, multiple submitters, no conflicts (2 of 4 stars). 4 submissions from 4 submitters: Benign (2); Likely benign (2). Last evaluated 2026-02-02.

Conditions:
Cystinuria (CSNU). Also called: CYSTINURIA, TYPE I; CYSTINURIA, TYPE II; CYSTINURIA, TYPE III; Cystinuria, non-type I. Identifiers: Orphanet 214, MedGen C0010691, MONDO:0009067, OMIM 220100, HP:0003131.

Allele frequency attached by ClinVar (database versions not stated): 1000 Genomes Project 0.01458; 1000 Genomes Project 30x 0.01530; gnomAD 0.02169 and 0.02214; ESP Exome Variant Server 0.02222; TOPMed 0.02254; ExAC 0.02333; gnomAD exomes 0.02423 and 0.02561.
gnomAD v4.1: 40,866 of 1,614,056 alleles (2.5%); highest among the groups gnomAD compares: Middle Eastern, 3.5%; 634 homozygotes.

Submissions (4):

Labcorp Genetics (formerly Invitae), Labcorp
Classification: Benign. Last evaluated: 2026-02-02. Review status: criteria provided, single submitter. Criteria: Invitae Variant Classification Sherloc (09022015). Collection method: clinical testing. Allele origin: germline.

Mayo Clinic Laboratories, Mayo Clinic
Classification: Benign. Last evaluated: 2022-03-09. Review status: criteria provided, single submitter. Criteria: ACMG Guidelines, 2015. Collection method: clinical testing. Allele origin: germline. Observed: 3 variant alleles.

Illumina Laboratory Services, Illumina
Classification: Likely benign for Cystinuria. Last evaluated: 2018-01-13. Review status: criteria provided, single submitter. Criteria: ICSL Variant Classification Criteria 13 December 2019. Collection method: clinical testing. Allele origin: germline.
Comment: This variant was observed in the ICSL laboratory as part of a predisposition screen in an ostensibly healthy population. It had not been previously curated by ICSL or reported in the Human Gene Mutation Database (HGMD: prior to June 1st, 2018), and was therefore a candidate for classification through an automated scoring system. Utilizing variant allele frequency, disease prevalence and penetrance estimates, and inheritance mode, an automated score was calculated to assess if this variant is too frequent to cause the disease. Based on the score and internal cut-off values, a variant classified as likely benign is not then subjected to further curation. The score for this variant resulted in a classification of likely benign for this disease.

Breakthrough Genomics
Classification: Likely benign. Review status: criteria provided, single submitter. Criteria: ACMG Guidelines, 2015. Collection method: not provided. Allele origin: germline. Inheritance: Autosomal dominant inheritance. Affected: yes.